The following is an entry in ClinVar:

NM_000719.7(CACNA1C):c.2103G>A (p.Gln701=)

Gene: CACNA1C (calcium voltage-gated channel subunit alpha1 C; plus strand). Cytogenetic location: 12p13.33.
Variant type: single nucleotide variant.
Coding change: c.2103G>A on transcript NM_000719.7 (MANE Select); coding-DNA position 2103, G replaced by A.
Protein change: p.Gln701=; no amino-acid change (glutamine 701 retained).
Molecular consequence: synonymous variant.
Genome position (GRCh38, 1-based): chr12:2,581,797, G>A. VCF-style: chr12-2581797-G-A. GRCh37 (hg19) VCF-style: chr12-2690963-G-A.
Other names: c.2103G>A, p.Gln701= (NM_001129835.2, NM_001129836.2, NM_001129837.2 and 18 more transcripts); c.2094G>A, p.Gln698= (NM_001129844.2).
Identifiers: ClinVar variation 4613760 (VCV004613760.1).

ClinVar aggregate classification (germline): Uncertain significance (1 of 4 stars; one submission).

Conditions:
Cardiovascular phenotype. Identifiers: MedGen CN230736.

Submission:

Ambry Genetics
Classification: Uncertain significance for Cardiovascular phenotype. Last evaluated: 2025-09-16. Review status: criteria provided, single submitter. Criteria: Ambry Variant Classification Scheme 2023. Collection method: clinical testing. Allele origin: germline.
Comment: The c.2103G>A variant (also known as p.Q701Q), located in coding exon 14 of the CACNA1C gene, results from a G to A substitution at nucleotide position 2103. This nucleotide substitution does not change the amino acid at codon 701. However, this change occurs in the last base pair of coding exon 14, which makes it likely to have some effect on normal mRNA splicing. This nucleotide position is highly conserved in available vertebrate species. In silico splice site analysis predicts that this alteration will not have any significant effect on splicing. Based on the available evidence, the clinical significance of this variant remains unclear.